The following is an entry in ClinVar:

NM_000256.3(MYBPC3):c.2394dup (p.Gly799fs)

Gene: MYBPC3 (myosin binding protein C3; minus strand). Cytogenetic location: 11p11.2.
Variant type: Duplication.
Coding change: c.2394dup on transcript NM_000256.3 (MANE Select); coding-DNA position 2394, one base duplicated (T; older notation c.2394dupT).
Protein change: p.Gly799fs; shifts the reading frame from glycine 799.
Genome position (GRCh38, 1-based): chr11:47,337,709, A duplicated on the plus strand (T on the coding strand, the reverse complement: MYBPC3 is on the minus strand). VCF-style (leftmost placement, unchanged base first): chr11-47337708-C-CA. GRCh37 (hg19) VCF-style: chr11-47359259-C-CA.
Other names: p.Gly799TrpfsX34; c.2394dupT (NM_000256.3); short protein forms G799fs.
Identifiers: ClinVar variation 177862 (VCV000177862.9), dbSNP rs730880341, ClinGen allele CA012205.

ClinVar aggregate classification (germline): Pathogenic/Likely pathogenic. Review status: criteria provided, multiple submitters, no conflicts (2 of 4 stars). 3 submissions from 3 submitters: Pathogenic (1); Likely pathogenic (1). 1 of the submissions does not count toward it. Last evaluated 2015-11-14.

Conditions:
Hypertrophic cardiomyopathy 4. Also called: Familial hypertrophic cardiomyopathy 4. Identifiers: MedGen C1861862, MONDO:0007268, OMIM 115197.
Hypertrophic cardiomyopathy. Also called: HYPERTROPHIC MYOCARDIOPATHY. Identifiers: Orphanet 217569, MedGen C0007194, MeSH D002312, MONDO:0005045, HP:0001639.

Submissions (3):

Labcorp Genetics (formerly Invitae), Labcorp
Classification: Pathogenic for Hypertrophic cardiomyopathy. Last evaluated: 2015-11-14. Review status: criteria provided, single submitter. Criteria: Invitae Variant Classification Sherloc (09022015). Collection method: clinical testing. Allele origin: germline.
Comment: For these reasons, this variant has been classified as Pathogenic. While this particular variant has not been reported in the literature, truncating variants in MYBPC3 are known to be pathogenic (PMID: 19574547). This sequence change inserts 1 nucleotide in exon 24 of the MYBPC3 mRNA (c.2394dupT), causing a frameshift at codon 799. This creates a premature translational stop signal (p.Gly799Trpfs*34) and is expected to result in an absent or disrupted protein product.

Laboratory of Genetics and Molecular Cardiology, University of São Paulo
Classification: Likely pathogenic for Hypertrophic cardiomyopathy 4. Review status: criteria provided, single submitter. Criteria: LGCM Criteria August 2015. Collection method: clinical testing. Allele origin: germline. Inheritance: Autosomal dominant inheritance. Affected: yes. Observed: 1 variant allele. Study: Sarcomeric Human Cardiomyopathy Registry (ShaRe).

Laboratory for Molecular Medicine, Mass General Brigham Personalized Medicine
Classification: Pathogenic for Hypertrophic cardiomyopathy. Last evaluated: 2013-03-05. Review status: no assertion criteria provided. Collection method: clinical testing. Allele origin: germline. Inheritance: Autosomal dominant inheritance. Observed: 1 variant allele. Not counted in ClinVar's aggregate classification.
Comment: proposed classification - variant undergoing re-assessment, contact laboratory

Literature cited by the submitters: PubMed 19574547 (cited by Labcorp Genetics (formerly Invitae), Labcorp).